The following is an entry in ClinVar:

ClinVar aggregate classification (germline): Uncertain significance (1 of 4 stars; one submission).

gnomAD v4.1: 4 of 1,475,288 alleles (0.00027%); highest among the groups gnomAD compares: Non-Finnish European, 0.00036%; no homozygotes.

Submission:

Labcorp Genetics (formerly Invitae), Labcorp
Classification: Uncertain significance. Last evaluated: 2022-07-05. Review status: criteria provided, single submitter. Criteria: Invitae Variant Classification Sherloc (09022015). Collection method: clinical testing. Allele origin: germline.
Comment: This variant has not been reported in the literature in individuals affected with COL4A1-related conditions. Advanced modeling of protein sequence and biophysical properties (such as structural, functional, and spatial information, amino acid conservation, physicochemical variation, residue mobility, and thermodynamic stability) performed at Invitae indicates that this missense variant is not expected to disrupt COL4A1 protein function. In summary, the available evidence is currently insufficient to determine the role of this variant in disease. Therefore, it has been classified as a Variant of Uncertain Significance. This variant is not present in population databases (gnomAD no frequency). This sequence change replaces arginine, which is basic and polar, with glycine, which is neutral and non-polar, at codon 24 of the COL4A1 protein (p.Arg24Gly).

NM_001845.6(COL4A1):c.70C>G (p.Arg24Gly)

Gene: COL4A1 (collagen type IV alpha 1 chain; minus strand). Cytogenetic location: 13q34.
Variant type: single nucleotide variant.
Coding change: c.70C>G on transcript NM_001845.6 (MANE Select); coding-DNA position 70, C replaced by G.
Protein change: p.Arg24Gly; replaces arginine 24 with glycine.
Molecular consequence: missense variant.
Genome position (GRCh38, 1-based): chr13:110,306,958, G>C on the plus strand (C>G on the coding strand, the complement: COL4A1 is on the minus strand). VCF-style: chr13-110306958-G-C. GRCh37 (hg19) VCF-style: chr13-110959305-G-C.
Other names: c.70C>G, p.Arg24Gly (NM_001303110.2); short protein forms R24G.
Identifiers: ClinVar variation 2060088 (VCV002060088.4), dbSNP rs1368341216, ClinGen allele CA388732496.